The following is an entry in ClinVar:

NM_138694.4(PKHD1):c.3837_3838del (p.Arg1280fs)

Gene: PKHD1 (PKHD1 ciliary IPT domain containing fibrocystin/polyductin; minus strand). Cytogenetic location: 6p12.2.
Variant type: Deletion.
Coding change: c.3837_3838del on transcript NM_138694.4 (MANE Select); coding-DNA positions 3837 to 3838, 2 bases deleted (CC; older notation c.3837_3838delCC).
Protein change: p.Arg1280fs; shifts the reading frame from arginine 1280.
Molecular consequence: frameshift variant.
Genome position (GRCh38, 1-based): chr6:52,025,972-52,025,973, GG deleted on the plus strand (CC on the coding strand, the reverse complement: PKHD1 is on the minus strand); deleting any 2 consecutive bases within chr6:52,025,972-52,025,974 gives the same sequence; the c. name uses the placement nearest the transcript's 3' end. VCF-style (leftmost placement, unchanged base first): chr6-52025971-CGG-C. GRCh37 (hg19) VCF-style: chr6-51890769-CGG-C.
Other names: c.3837_3838del, p.Arg1280fs (NM_170724.3); short protein forms R1280fs.
Identifiers: ClinVar variation 2764201 (VCV002764201.3), dbSNP rs2532735219, ClinGen allele CA2697553484.
Genomic context (GRCh38, chr6:52,025,971, plus strand): 5'-GTTGCTGCCGCTTCATACATGAAGGTGAAGCCTTTCCCCACCAAGCTTGGTGAAGGACCA[CGG>C]GCGAAGAACCTGTTGCCAGCCCAGACCTCCACGGCAGCTGGAACAGTGGGAGCGCCCGCA-3'

ClinVar aggregate classification (germline): Pathogenic (1 of 4 stars; one submission).

Conditions:
Autosomal recessive polycystic kidney disease (ARPKD). Also called: AR polycystic kidney disease. Identifiers: Orphanet 731, Orphanet 8378, MedGen C0085548, MeSH D017044, MONDO:0009889.

Submission:

Labcorp Genetics (formerly Invitae), Labcorp
Classification: Pathogenic for Autosomal recessive polycystic kidney disease. Last evaluated: 2023-09-29. Review status: criteria provided, single submitter. Criteria: Invitae Variant Classification Sherloc (09022015). Collection method: clinical testing. Allele origin: germline.
Comment: This sequence change creates a premature translational stop signal (p.Arg1280Trpfs*16) in the PKHD1 gene. It is expected to result in an absent or disrupted protein product. Loss-of-function variants in PKHD1 are known to be pathogenic (PMID: 19940839). This variant is not present in population databases (gnomAD no frequency). This variant has not been reported in the literature in individuals affected with PKHD1-related conditions. For these reasons, this variant has been classified as Pathogenic.

Literature cited by the submitters: PubMed 19940839.